The following is an entry in ClinVar:

NM_000075.4(CDK4):c.421C>G (p.Leu141Val)

Gene: CDK4 (cyclin dependent kinase 4; minus strand). Cytogenetic location: 12q14.1.
Variant type: single nucleotide variant.
Coding change: c.421C>G on transcript NM_000075.4 (MANE Select); coding-DNA position 421, C replaced by G.
Protein change: p.Leu141Val; replaces leucine 141 with valine.
Molecular consequence: missense variant.
Genome position (GRCh38, 1-based): chr12:57,751,024, G>C on the plus strand (C>G on the coding strand, the complement: CDK4 is on the minus strand). VCF-style: chr12-57751024-G-C. GRCh37 (hg19) VCF-style: chr12-58144807-G-C.
Other names: short protein forms L141V.
Identifiers: ClinVar variation 824690 (VCV000824690.15), dbSNP rs1246306482, ClinGen allele CA385546651.

ClinVar aggregate classification (germline): Uncertain significance. Review status: criteria provided, multiple submitters, no conflicts (2 of 4 stars). 3 submissions from 3 submitters: Uncertain significance (3). Last evaluated 2026-01-27.

Conditions:
Hereditary cancer-predisposing syndrome. Also called: Neoplastic Syndromes, Hereditary; Tumor predisposition; Hereditary neoplastic syndrome; Hereditary Cancer Syndrome. Identifiers: Orphanet 140162, MedGen C0027672, MeSH D009386, MONDO:0015356.
Familial melanoma. Also called: Hereditary melanoma; Hereditary cutaneous melanoma. Identifiers: Orphanet 618, MedGen C1512419, MONDO:0018961.
Melanoma, cutaneous malignant, susceptibility to, 3. Also called: Cutaneous malignant melanoma 3. Identifiers: Orphanet 618, MedGen C1836892, MONDO:0012183, OMIM 609048.

Allele frequency attached by ClinVar (database versions not stated): gnomAD 0.00001.
gnomAD v4.1: 1 of 1,614,092 alleles (0.000062%); highest among the groups gnomAD compares: African/African-American, 0.0013%; no homozygotes.

Submissions (3):

Labcorp Genetics (formerly Invitae), Labcorp
Classification: Uncertain significance for Familial melanoma. Last evaluated: 2026-01-27. Review status: criteria provided, single submitter. Criteria: Invitae Variant Classification Sherloc (09022015). Collection method: clinical testing. Allele origin: germline.
Comment: This sequence change replaces leucine, which is neutral and non-polar, with valine, which is neutral and non-polar, at codon 141 of the CDK4 protein (p.Leu141Val). The frequency data for this variant in the population databases is considered unreliable, as metrics indicate poor data quality at this position in the gnomAD database. This variant has not been reported in the literature in individuals affected with CDK4-related conditions. ClinVar contains an entry for this variant (Variation ID: 824690). Invitae Evidence Modeling of protein sequence and biophysical properties (such as structural, functional, and spatial information, amino acid conservation, physicochemical variation, residue mobility, and thermodynamic stability) indicates that this missense variant is expected to disrupt CDK4 protein function with a positive predictive value of 95%. In summary, the available evidence is currently insufficient to determine the role of this variant in disease. Therefore, it has been classified as a Variant of Uncertain Significance.

Ambry Genetics
Classification: Uncertain significance for Hereditary cancer-predisposing syndrome. Last evaluated: 2025-04-10. Review status: criteria provided, single submitter. Criteria: Ambry Variant Classification Scheme 2023. Collection method: clinical testing. Allele origin: germline.
Comment: The p.L141V variant (also known as c.421C>G), located in coding exon 3 of the CDK4 gene, results from a C to G substitution at nucleotide position 421. The leucine at codon 141 is replaced by valine, an amino acid with highly similar properties. This amino acid position is highly conserved in available vertebrate species. In addition, the in silico prediction for this alteration is inconclusive. Since supporting evidence is limited at this time, the clinical significance of this alteration remains unclear.

Fulgent Genetics
Classification: Uncertain significance for Melanoma, cutaneous malignant, susceptibility to, 3. Last evaluated: 2024-06-14. Review status: criteria provided, single submitter. Criteria: ACMG Guidelines, 2015. Collection method: clinical testing. Allele origin: germline.